The following is an entry in ClinVar:

ClinVar aggregate classification (germline): Likely benign (1 of 4 stars; one submission).

Submission:

Mayo Clinic Laboratories, Mayo Clinic
Classification: Likely benign. Last evaluated: 2025-04-01. Review status: criteria provided, single submitter. Criteria: ACMG Guidelines, 2015. Collection method: clinical testing. Allele origin: germline. Observed: 1 variant allele.
Comment: BP4, BP7

NM_002693.3(POLG):c.1878G>C (p.Gly626=)

Gene: POLG (DNA polymerase gamma, catalytic subunit; minus strand). Cytogenetic location: 15q26.1.
Variant type: single nucleotide variant.
Coding change: c.1878G>C on transcript NM_002693.3 (MANE Select); coding-DNA position 1878, G replaced by C.
Protein change: p.Gly626=; no amino-acid change (glycine 626 retained).
Molecular consequence: synonymous variant.
Genome position (GRCh38, 1-based): chr15:89,325,521, C>G on the plus strand (G>C on the coding strand, the complement: POLG is on the minus strand). VCF-style: chr15-89325521-C-G. GRCh37 (hg19) VCF-style: chr15-89868752-C-G.
Other names: p.Gly626=; c.1878G>C, p.Gly626= (NM_001126131.2).
Identifiers: ClinVar variation 4684027 (VCV004684027.1).
Genomic context (GRCh38, chr15:89,325,521, plus strand): 5'-GACCACCCCAGCTGACTCCAGGGTGGTACCTGTCGGCAGCTTGGCCAGGTTGTCCCGCCG[C>G]CCAGGCACCAAGTAGCCCCAGCCATGACGCTCTGAGTAGTGCAGAGGGAAGCCATCCCAG-3'
Protein context (NP_002684.1, residues 616-636): ERHGWGYLVP[Gly626=]RRDNLAKLPT